The following is an entry in ClinVar:

ClinVar aggregate classification (germline): Uncertain significance (1 of 4 stars; one submission).

Conditions:
FGFR3-related chondrodysplasia. Identifiers: Orphanet 93420, MedGen C5681604, MONDO:0019685.

Submission:

Genomenon, Inc
Classification: Uncertain significance for FGFR3-related chondrodysplasia. Last evaluated: 2026-06-23. Review status: criteria provided, single submitter. Criteria: Genomenon Sequence Variant Interpretation Standards - Updated. Collection method: curation. Allele origin: germline. Affected: no.
Comment: FGFR3 p.Ser378Asn (c.1133G>A) is a missense variant that changes the amino acid at codon 378 from Serine to Asparagine. This variant has been reported in the published literature (PMID:31975530;38281003). This variant is located in a mutational hotspot and/or important functional domain. It is absent or not present at a significant frequency in gnomAD. In conclusion, we classify FGFR3 p.Ser378Asn (c.1133G>A) as a variant of uncertain significance.

Literature cited by the submitters: PubMed 31975530; PubMed 38281003.

NM_000142.5(FGFR3):c.1133G>A (p.Ser378Asn)

Gene: FGFR3 (fibroblast growth factor receptor 3; plus strand). Cytogenetic location: 4p16.3.
Variant type: single nucleotide variant.
Coding change: c.1133G>A on transcript NM_000142.5 (MANE Select); coding-DNA position 1133, G replaced by A.
Protein change: p.Ser378Asn; replaces serine 378 with asparagine.
Molecular consequence: missense variant. On other transcripts: non-coding transcript variant (1), intron variant (1).
Genome position (GRCh38, 1-based): chr4:1,804,387, G>A. VCF-style: chr4-1804387-G-A. GRCh37 (hg19) VCF-style: chr4-1806114-G-A.
Other names: c.1139G>A, p.Ser380Asn (NM_001163213.2); c.1133G>A, p.Ser378Asn (NM_001354809.2, NM_001354810.2); c.931-437G>A (NM_022965.4); short protein forms S378N, S380N.
Identifiers: ClinVar variation 4857843 (VCV004857843.1).